The following is an entry in ClinVar:

ClinVar aggregate classification (germline): Uncertain significance. Review status: criteria provided, multiple submitters, no conflicts (2 of 4 stars). 3 submissions from 3 submitters: Uncertain significance (2). 1 of the submissions does not count toward it. Last evaluated 2025-11-17.

Conditions:
Cardiovascular phenotype. Identifiers: MedGen CN230736.
Hereditary cancer-predisposing syndrome. Also called: Hereditary Cancer Syndrome; Hereditary neoplastic syndrome; Neoplastic Syndromes, Hereditary; Tumor predisposition. Identifiers: Orphanet 140162, MedGen C0027672, MeSH D009386, MONDO:0015356.
LZTR1-related disorder. Also called: LZTR1-related disorders; LZTR1-related condition.

Allele frequency attached by ClinVar (database versions not stated): TOPMed below 0.00001.
gnomAD v4.1: 1 of 1,587,144 alleles (0.000063%); highest among the groups gnomAD compares: Non-Finnish European, 0.000086%; no homozygotes.

Submissions (3):

Labcorp Genetics (formerly Invitae), Labcorp
Classification: Uncertain significance. Last evaluated: 2025-11-17. Review status: criteria provided, single submitter. Criteria: Invitae Variant Classification Sherloc (09022015). Collection method: clinical testing. Allele origin: germline.
Comment: This sequence change replaces valine, which is neutral and non-polar, with isoleucine, which is neutral and non-polar, at codon 492 of the LZTR1 protein (p.Val492Ile). This variant is not present in population databases (gnomAD no frequency). This variant has not been reported in the literature in individuals affected with LZTR1-related conditions. ClinVar contains an entry for this variant (Variation ID: 1773440). Invitae Evidence Modeling of protein sequence and biophysical properties (such as structural, functional, and spatial information, amino acid conservation, physicochemical variation, residue mobility, and thermodynamic stability) indicates that this missense variant is not expected to disrupt LZTR1 protein function with a negative predictive value of 80%. In summary, the available evidence is currently insufficient to determine the role of this variant in disease. Therefore, it has been classified as a Variant of Uncertain Significance.

Ambry Genetics
Classification: Uncertain significance for Cardiovascular phenotype; Hereditary cancer-predisposing syndrome. Last evaluated: 2025-10-17. Review status: criteria provided, single submitter. Criteria: Ambry Variant Classification Scheme 2023. Collection method: clinical testing. Allele origin: germline.
Comment: The p.V492I variant (also known as c.1474G>A), located in coding exon 14 of the LZTR1 gene, results from a G to A substitution at nucleotide position 1474. The valine at codon 492 is replaced by isoleucine, an amino acid with highly similar properties. This amino acid position is poorly conserved in available vertebrate species. In addition, this alteration is predicted to be tolerated by in silico analysis. Since supporting evidence is limited at this time, the clinical significance of this alteration remains unclear.

PreventionGenetics, part of Exact Sciences
Classification: Uncertain significance for LZTR1-related condition. Last evaluated: 2024-02-07. Review status: no assertion criteria provided. Collection method: clinical testing. Allele origin: germline. Not counted in ClinVar's aggregate classification.
Comment: The LZTR1 c.1474G>A variant is predicted to result in the amino acid substitution p.Val492Ile. To our knowledge, this variant has not been reported in the literature or in a large population database, indicating this variant is rare. At this time, the clinical significance of this variant is uncertain due to the absence of conclusive functional and genetic evidence.

NM_006767.4(LZTR1):c.1474G>A (p.Val492Ile)

Gene: LZTR1 (leucine zipper like post translational regulator 1; plus strand). Cytogenetic location: 22q11.21.
Variant type: single nucleotide variant.
Coding change: c.1474G>A on transcript NM_006767.4 (MANE Select); coding-DNA position 1474, G replaced by A.
Protein change: p.Val492Ile; replaces valine 492 with isoleucine.
Molecular consequence: missense variant.
Genome position (GRCh38, 1-based): chr22:20,994,128, G>A. VCF-style: chr22-20994128-G-A. GRCh37 (hg19) VCF-style: chr22-21348417-G-A.
Other names: short protein forms V492I.
Identifiers: ClinVar variation 1773440 (VCV001773440.10), dbSNP rs1224594586, ClinGen allele CA410775533.
Genomic context (GRCh38, chr22:20,994,128, plus strand): 5'-CCACTGGGGTGTCCTTGAGCTCCCTTCTCCCCACAGAAGCTGGAGCAGGAGGCCGCCCCA[G>A]TTCCCAGGGAGGCCCCCGGCGTGGCTGCTGGTGGGGCCCGGCCGCCCCTGCTGCACGTGG-3'
Protein context (NP_006758.2, residues 482-502): AQKLEQEAAP[Val492Ile]PREAPGVAAG